The following is an entry in ClinVar:

ClinVar aggregate classification (germline): Uncertain significance. Review status: criteria provided, multiple submitters, no conflicts (2 of 4 stars). 2 submissions from 2 submitters: Uncertain significance (2). Last evaluated 2023-04-26.

Conditions:
Hereditary nonpolyposis colorectal neoplasms. Identifiers: MedGen C0009405, MeSH D003123.
Hereditary cancer-predisposing syndrome. Also called: Hereditary Cancer Syndrome; Hereditary neoplastic syndrome; Neoplastic Syndromes, Hereditary; Tumor predisposition. Identifiers: Orphanet 140162, MedGen C0027672, MeSH D009386, MONDO:0015356.

Submissions (2):

Labcorp Genetics (formerly Invitae), Labcorp
Classification: Uncertain significance for Hereditary nonpolyposis colorectal neoplasms. Last evaluated: 2023-04-26. Review status: criteria provided, single submitter. Criteria: Invitae Variant Classification Sherloc (09022015). Collection method: clinical testing. Allele origin: germline.
Comment: This sequence change replaces threonine, which is neutral and polar, with asparagine, which is neutral and polar, at codon 488 of the MSH6 protein (p.Thr488Asn). This variant is not present in population databases (gnomAD no frequency). This variant has not been reported in the literature in individuals affected with MSH6-related conditions. ClinVar contains an entry for this variant (Variation ID: 455139). Advanced modeling of protein sequence and biophysical properties (such as structural, functional, and spatial information, amino acid conservation, physicochemical variation, residue mobility, and thermodynamic stability) performed at Invitae indicates that this missense variant is not expected to disrupt MSH6 protein function. In summary, the available evidence is currently insufficient to determine the role of this variant in disease. Therefore, it has been classified as a Variant of Uncertain Significance.

Ambry Genetics
Classification: Uncertain significance for Hereditary cancer-predisposing syndrome. Last evaluated: 2022-08-09. Review status: criteria provided, single submitter. Criteria: Ambry Variant Classification Scheme 2023. Collection method: clinical testing. Allele origin: germline.
Comment: The p.T488N variant (also known as c.1463C>A), located in coding exon 4 of the MSH6 gene, results from a C to A substitution at nucleotide position 1463. The threonine at codon 488 is replaced by asparagine, an amino acid with similar properties. This amino acid position is highly conserved in available vertebrate species. In addition, the in silico prediction for this alteration is inconclusive. Since supporting evidence is limited at this time, the clinical significance of this alteration remains unclear.

NM_000179.3(MSH6):c.1463C>A (p.Thr488Asn)

Gene: MSH6 (mutS homolog 6; plus strand). Cytogenetic location: 2p16.3.
Variant type: single nucleotide variant.
Coding change: c.1463C>A on transcript NM_000179.3 (MANE Select); coding-DNA position 1463, C replaced by A.
Protein change: p.Thr488Asn; replaces threonine 488 with asparagine.
Molecular consequence: missense variant.
Genome position (GRCh38, 1-based): chr2:47,799,446, C>A. VCF-style: chr2-47799446-C-A. GRCh37 (hg19) VCF-style: chr2-48026585-C-A.
Other names: c.1073C>A, p.Thr358Asn (NM_001281492.2); c.557C>A, p.Thr186Asn (NM_001281493.2, NM_001281494.2); short protein forms T488N, T186N, T358N.
Identifiers: ClinVar variation 455139 (VCV000455139.11), dbSNP rs1453645523, ClinGen allele CA346745820.
Genomic context (GRCh38, chr2:47,799,446, plus strand): 5'-GTTATTCAGATTCCCTGGTGCAGAAGGGCTATAAAGTAGCACGAGTGGAACAGACTGAGA[C>A]TCCAGAAATGATGGAGGCACGATGTAGAAAGATGGCACATATATCCAAGTATGATAGAGT-3'
Protein context (NP_000170.1, residues 478-498): YKVARVEQTE[Thr488Asn]PEMMEARCRK